The following is an entry in ClinVar:

NM_003482.4(KMT2D):c.5655_5656delinsTT (p.Lys1885_Met1886delinsAsnLeu)

Gene: KMT2D (lysine methyltransferase 2D; minus strand). Cytogenetic location: 12q13.12.
Variant type: Indel.
Coding change: c.5655_5656delinsTT on transcript NM_003482.4 (MANE Select); coding-DNA positions 5655 to 5656, GA replaced by TT.
Protein change: p.Lys1885_Met1886delinsAsnLeu.
Molecular consequence: missense variant.
Genome position (GRCh38, 1-based): chr12:49,042,867-49,042,868, TC replaced by AA on the plus strand (GA replaced by TT on the coding strand, the reverse complement: KMT2D is on the minus strand). VCF-style: chr12-49042867-TC-AA. GRCh37 (hg19) VCF-style: chr12-49436650-TC-AA.
Identifiers: ClinVar variation 2092312 (VCV002092312.4), dbSNP rs2498410447, ClinGen allele CA2580086396.
Genomic context (GRCh38, chr12:49,042,867, plus strand): 5'-GCTGTTCTCGTTCAGAGCCCAGAACATCCTTGAAGAGCTGCTGCAGGTCCTTGGATTCCA[TC>AA]TTGGGCAGTTCTGTGGGGGAATGAAGGACACTGTTGAGGAAGACTGGGAAGTTCAGGTGA-3'

ClinVar aggregate classification (germline): Uncertain significance (1 of 4 stars; one submission).

Conditions:
Kabuki syndrome. Also called: Kabuki make-up syndrome; NIIKAWA-KUROKI SYNDROME. Identifiers: Orphanet 2322, MedGen C0796004, MONDO:0016512.

Submission:

Labcorp Genetics (formerly Invitae), Labcorp
Classification: Uncertain significance for Kabuki syndrome. Last evaluated: 2022-02-03. Review status: criteria provided, single submitter. Criteria: Invitae Variant Classification Sherloc (09022015). Collection method: clinical testing. Allele origin: germline.
Comment: In summary, the available evidence is currently insufficient to determine the role of this variant in disease. Therefore, it has been classified as a Variant of Uncertain Significance. Experimental studies and prediction algorithms are not available or were not evaluated, and the functional significance of this variant is currently unknown. This variant has not been reported in the literature in individuals affected with KMT2D-related conditions. Information on the frequency of this variant in the gnomAD database is not available, as this variant may be reported differently in the database. This variant, c.5655_5656delinsTT, is a complex sequence change that results in the deletion of 2 and insertion of 2 amino acid(s) in the KMT2D protein (p.Lys1885_Met1886delinsAsnLeu).